The following is an entry in ClinVar:

NM_000785.4(CYP27B1):c.171del (p.Leu58fs)

Gene: CYP27B1 (cytochrome P450 family 27 subfamily B member 1; minus strand). Cytogenetic location: 12q14.1.
Variant type: Deletion.
Coding change: c.171del on transcript NM_000785.4 (MANE Select); coding-DNA position 171, one base deleted (G; older notation c.171delG).
Protein change: p.Leu58fs; shifts the reading frame from leucine 58.
Molecular consequence: frameshift variant.
Genome position (GRCh38, 1-based): chr12:57,766,871, C deleted on the plus strand (G on the coding strand, the reverse complement: CYP27B1 is on the minus strand); the first of 7 consecutive C bases (chr12:57,766,871-57,766,877); deleting any one gives the same sequence. VCF-style (leftmost placement, unchanged base first): chr12-57766870-GC-G. GRCh37 (hg19) VCF-style: chr12-58160653-GC-G.
Other names: c.171delG (NM_000785.4); short protein forms L58fs.
Identifiers: ClinVar variation 1931662 (VCV001931662.8), dbSNP rs763437121, ClinGen allele CA6658525.

ClinVar aggregate classification (germline): Pathogenic. Review status: criteria provided, multiple submitters, no conflicts (2 of 4 stars). 4 submissions from 4 submitters: Pathogenic (3). 1 of the submissions does not count toward it. Last evaluated 2026-07-30.

Conditions:
Vitamin D-dependent rickets, type 1A. Also called: VITAMIN D HYDROXYLATION-DEFICIENT RICKETS, TYPE 1A; PDDR IA; PSEUDOVITAMIN D-DEFICIENCY RICKETS, TYPE IA. Identifiers: MedGen CN283242, MONDO:0020723, OMIM 264700.
Vitamin D-dependent rickets, type 1 (VDD1). Also called: VITAMIN D DEPENDENCY, TYPE 1. Identifiers: Orphanet 289157, MedGen C0268689, MONDO:0009924.

Submissions (4):

Myriad Genetics, Inc.
Classification: Pathogenic for Vitamin D-dependent rickets, type 1A. Last evaluated: 2026-07-30. Review status: criteria provided, single submitter. Criteria: Myriad Autosomal Dominant, Autosomal Recessive and X-Linked Classification Criteria (2023). Collection method: clinical testing. Allele origin: unknown.
Comment: NM_000785.3(CYP27B1):c.171delG(L58Cfs*20) is a frameshift variant classified as pathogenic in the context of vitamin D-dependent rickets, CYP27B1-related. L58Cfs*20 has not been observed in cases with relevant disease. Relevant functional assessments of this variant are not available in the literature. L58Cfs*20 has been observed in referenced population frequency databases. In summary, NM_000785.3(CYP27B1):c.171delG(L58Cfs*20) is a frameshift variant in a gene where loss of function is a known mechanism of disease and is predicted to disrupt protein function. Please note: this variant was assessed in the context of healthy population screening.

Women's Health and Genetics/Laboratory Corporation of America, LabCorp
Classification: Pathogenic for Vitamin D-dependent rickets, type 1A. Last evaluated: 2025-03-24. Review status: criteria provided, single submitter. Criteria: LabCorp Variant Classification Summary - May 2015. Collection method: clinical testing. Allele origin: germline.
Comment: Variant summary: CYP27B1 c.171delG (p.Leu58CysfsX20) results in a premature termination codon, predicted to cause a truncation of the encoded protein or absence of the protein due to nonsense mediated decay, which are commonly known mechanisms for disease. The variant allele was found at a frequency of 1.2e-05 in 251300 control chromosomes (gnomAD). c.171delG has been reported in the literature in at least an individual affected with CYP27B1-related conditions (example: Zou_2020). These data indicate that the variant may be associated with disease. ClinVar contains an entry for this variant (Variation ID: 1931662). Based on the evidence outlined above, the variant was classified as pathogenic.

Labcorp Genetics (formerly Invitae), Labcorp
Classification: Pathogenic. Last evaluated: 2023-02-22. Review status: criteria provided, single submitter. Criteria: Invitae Variant Classification Sherloc (09022015). Collection method: clinical testing. Allele origin: germline.
Comment: This sequence change creates a premature translational stop signal (p.Leu58Cysfs*20) in the CYP27B1 gene. It is expected to result in an absent or disrupted protein product. Loss-of-function variants in CYP27B1 are known to be pathogenic (PMID: 9837822, 17488797). For these reasons, this variant has been classified as Pathogenic. This premature translational stop signal has been observed in individual(s) with clinical features of vitamin D-dependent rickets type 1A (PMID: 33329754). This variant is present in population databases (rs767074885, gnomAD 0.006%).

Department of Pediatric Endocrinology, Shriners Hospitals for Children - Mexico City
No classification provided. Condition: Vitamin D-dependent rickets, type 1. Review status: no classification provided. Collection method: phenotyping only. Allele origin: germline. Inheritance: Autosomal recessive inheritance. Affected: yes. Observed: 1 variant allele. Not counted in ClinVar's aggregate classification.

Literature cited by the submitters: PubMed 33329754 (cited by Women's Health and Genetics/Laboratory Corporation of America, LabCorp and Labcorp Genetics (formerly Invitae), Labcorp); PubMed 9837822 (cited by Labcorp Genetics (formerly Invitae), Labcorp); PubMed 17488797 (cited by Labcorp Genetics (formerly Invitae), Labcorp).